The following is an entry in ClinVar:

ClinVar aggregate classification (germline): Uncertain significance. Review status: criteria provided, multiple submitters, no conflicts (2 of 4 stars). 2 submissions from 2 submitters: Uncertain significance (2). Last evaluated 2025-07-28.

Conditions:
Hereditary cancer-predisposing syndrome. Also called: Tumor predisposition; Neoplastic Syndromes, Hereditary; Hereditary Cancer Syndrome; Hereditary neoplastic syndrome. Identifiers: Orphanet 140162, MedGen C0027672, MeSH D009386, MONDO:0015356.
Gorlin syndrome. Also called: Basal cell nevus syndrome; Nevoid Basal Cell Carcinoma Syndrome. Identifiers: Orphanet 377, MedGen C0004779, MONDO:0007187.

Allele frequency attached by ClinVar (database versions not stated): gnomAD 0.00001; TOPMed 0.00001.
gnomAD v4.1: 2 of 1,613,996 alleles (0.00012%); highest among the groups gnomAD compares: African/African-American, 0.0027%; no homozygotes.

Submissions (2):

Ambry Genetics
Classification: Uncertain significance for Hereditary cancer-predisposing syndrome. Last evaluated: 2025-07-28. Review status: criteria provided, single submitter. Criteria: Ambry Variant Classification Scheme 2023. Collection method: clinical testing. Allele origin: germline.
Comment: The p.M372I variant (also known as c.1116G>T), located in coding exon 8 of the PTCH1 gene, results from a G to T substitution at nucleotide position 1116. The methionine at codon 372 is replaced by isoleucine, an amino acid with highly similar properties. This amino acid position is conserved. In addition, the in silico prediction for this alteration is inconclusive. Since supporting evidence is limited at this time, the clinical significance of this alteration remains unclear.

Labcorp Genetics (formerly Invitae), Labcorp
Classification: Uncertain significance for Gorlin syndrome. Last evaluated: 2024-12-23. Review status: criteria provided, single submitter. Criteria: Invitae Variant Classification Sherloc (09022015). Collection method: clinical testing. Allele origin: germline.
Comment: This sequence change replaces methionine, which is neutral and non-polar, with isoleucine, which is neutral and non-polar, at codon 372 of the PTCH1 protein (p.Met372Ile). This variant is not present in population databases (gnomAD no frequency). This variant has not been reported in the literature in individuals affected with PTCH1-related conditions. ClinVar contains an entry for this variant (Variation ID: 1060129). Invitae Evidence Modeling of protein sequence and biophysical properties (such as structural, functional, and spatial information, amino acid conservation, physicochemical variation, residue mobility, and thermodynamic stability) has been performed for this missense variant. However, the output from this modeling did not meet the statistical confidence thresholds required to predict the impact of this variant on PTCH1 protein function. In summary, the available evidence is currently insufficient to determine the role of this variant in disease. Therefore, it has been classified as a Variant of Uncertain Significance.

NM_000264.5(PTCH1):c.1116G>T (p.Met372Ile)

Gene: PTCH1 (patched 1; minus strand). Cytogenetic location: 9q22.32.
Variant type: single nucleotide variant.
Coding change: c.1116G>T on transcript NM_000264.5 (MANE Select); coding-DNA position 1116, G replaced by T.
Protein change: p.Met372Ile; replaces methionine 372 with isoleucine.
Molecular consequence: missense variant. On other transcripts: non-coding transcript variant (1).
Genome position (GRCh38, 1-based): chr9:95,479,099, C>A on the plus strand (G>T on the coding strand, the complement: PTCH1 is on the minus strand). VCF-style: chr9-95479099-C-A. GRCh37 (hg19) VCF-style: chr9-98241381-C-A.
Other names: c.918G>T, p.Met306Ile (NM_001083602.3); c.1113G>T, p.Met371Ile (NM_001083603.3); c.663G>T, p.Met221Ile (NM_001083604.3, NM_001083605.3, NM_001083606.3 and 1 more transcripts); c.1116G>T, p.Met372Ile (NM_001354918.2); c.1116G>T (NM_000264.3); short protein forms M221I, M306I, M371I, M372I.
Identifiers: ClinVar variation 1060129 (VCV001060129.12), dbSNP rs1841328115, ClinGen allele CA374119432.